The following is an entry in ClinVar:

ClinVar aggregate classification (germline): Likely pathogenic (1 of 4 stars; one submission).

Allele frequency attached by ClinVar (database versions not stated): gnomAD exomes below 0.00001; ExAC 0.00001.
gnomAD v4.1: 4 of 1,614,096 alleles (0.00025%); highest among the groups gnomAD compares: Non-Finnish European, 0.00034%; no homozygotes.

Submission:

Labcorp Genetics (formerly Invitae), Labcorp
Classification: Likely pathogenic. Last evaluated: 2023-07-25. Review status: criteria provided, single submitter. Criteria: Invitae Variant Classification Sherloc (09022015). Collection method: clinical testing. Allele origin: germline.
Comment: In summary, the currently available evidence indicates that the variant is pathogenic, but additional data are needed to prove that conclusively. Therefore, this variant has been classified as Likely Pathogenic. This variant has not been reported in the literature in individuals affected with CC2D1A-related conditions. This variant is present in population databases (rs780010188, gnomAD 0.0009%). This sequence change affects an acceptor splice site in intron 19 of the CC2D1A gene. It is expected to disrupt RNA splicing. Variants that disrupt the donor or acceptor splice site typically lead to a loss of protein function (PMID: 16199547), and loss-of-function variants in CC2D1A are known to be pathogenic (PMID: 16033914).

Literature cited by the submitters: PubMed 16199547; PubMed 16033914.

NM_017721.5(CC2D1A):c.2074-1G>C

Gene: CC2D1A (coiled-coil and C2 domain containing 1A; plus strand). Cytogenetic location: 19p13.12.
Variant type: single nucleotide variant.
Coding change: c.2074-1G>C on transcript NM_017721.5 (MANE Select); the canonical splice acceptor site of the intron before coding-DNA position 2074, G replaced by C.
Molecular consequence: splice acceptor variant.
Genome position (GRCh38, 1-based): chr19:13,926,820, G>C. VCF-style: chr19-13926820-G-C. GRCh37 (hg19) VCF-style: chr19-14037633-G-C.
Other names: c.2074-1G>C (NM_001411138.1).
Identifiers: ClinVar variation 2746760 (VCV002746760.3), dbSNP rs780010188, ClinGen allele CA9244931.